The following is an entry in ClinVar:

NM_001035.3(RYR2):c.12405C>T (p.Arg4135=)

Genes: RYR2 (ryanodine receptor 2; plus strand), LOC126806068 (BRD4-independent group 4 enhancer GRCh37_chr1:237947411-237948610; plus strand). Cytogenetic location: 1q43.
Variant type: single nucleotide variant.
Coding change: c.12405C>T on transcript NM_001035.3 (MANE Select); coding-DNA position 12405, C replaced by T.
Protein change: p.Arg4135=; no amino-acid change (arginine 4135 retained).
Molecular consequence: synonymous variant.
Genome position (GRCh38, 1-based): chr1:237,784,117, C>T. VCF-style: chr1-237784117-C-T. GRCh37 (hg19) VCF-style: chr1-237947417-C-T.
Identifiers: ClinVar variation 1540601 (VCV001540601.6), dbSNP rs2149353701, ClinGen allele CA424032144.

ClinVar aggregate classification (germline): Likely benign. Review status: criteria provided, multiple submitters, no conflicts (2 of 4 stars). 2 submissions from 2 submitters: Likely benign (2). Last evaluated 2025-02-28.

Conditions:
Catecholaminergic polymorphic ventricular tachycardia (CVPT). Also called: Catecholamine-induced polymorphic ventricular tachycardia. Identifiers: Orphanet 3286, MedGen C5574922, MONDO:0017990.
Catecholaminergic polymorphic ventricular tachycardia 1. Also called: RYR2-Related Catecholaminergic Polymorphic Ventricular Tachycardia; VENTRICULAR TACHYCARDIA, STRESS-INDUCED POLYMORPHIC 1; VENTRICULAR TACHYCARDIA, CATECHOLAMINERGIC POLYMORPHIC, 1, WITH OR WITHOUT ATRIAL DYSFUNCTION AND/OR DILATED CARDIOMYOPATHY. Identifiers: Orphanet 3286, MedGen C1631597, MONDO:0011484, OMIM 604772.

gnomAD v4.1: 2 of 1,613,988 alleles (0.00012%); highest among the groups gnomAD compares: Admixed American, 0.0033%; no homozygotes.

Submissions (2):

Labcorp Genetics (formerly Invitae), Labcorp
Classification: Likely benign for Catecholaminergic polymorphic ventricular tachycardia 1. Last evaluated: 2025-02-28. Review status: criteria provided, single submitter. Criteria: Invitae Variant Classification Sherloc (09022015). Collection method: clinical testing. Allele origin: germline.

All of Us Research Program, National Institutes of Health
Classification: Likely benign for Catecholaminergic polymorphic ventricular tachycardia. Last evaluated: 2023-10-23. Review status: criteria provided, single submitter. Criteria: ACMG Guidelines, 2015. Collection method: clinical testing. Allele origin: germline. Inheritance: Autosomal dominant inheritance. Observed: 1 variant allele, 1 heterozygote.
Comment: This study involves interpretation of variants in research participants for the purpose of population health screening. Participant phenotype was not available at the time of variant classification. Additional details can be found in publication PMID: 35346344, PMCID: PMC8962531